The following is an entry in ClinVar:

ClinVar aggregate classification (germline): Uncertain significance (1 of 4 stars; one submission).

Conditions:
Inborn genetic diseases. Identifiers: MedGen C0950123, MeSH D030342.

Submission:

Ambry Genetics
Classification: Uncertain significance for Inborn genetic diseases. Last evaluated: 2024-12-16. Review status: criteria provided, single submitter. Criteria: Ambry Variant Classification Scheme 2023. Collection method: clinical testing. Allele origin: germline.
Comment: The p.T618P variant (also known as c.1852A>C), located in coding exon 18 of the ANKRD26 gene, results from an A to C substitution at nucleotide position 1852. The threonine at codon 618 is replaced by proline, an amino acid with highly similar properties. This amino acid position is conserved. In addition, this alteration is predicted to be tolerated by in silico analysis. Based on the available evidence, the clinical significance of this variant remains unclear.

NM_014915.3(ANKRD26):c.1852A>C (p.Thr618Pro)

Gene: ANKRD26 (ankyrin repeat domain containing 26; minus strand). Cytogenetic location: 10p12.1.
Variant type: single nucleotide variant.
Coding change: c.1852A>C on transcript NM_014915.3 (MANE Select); coding-DNA position 1852, A replaced by C.
Protein change: p.Thr618Pro; replaces threonine 618 with proline.
Molecular consequence: missense variant.
Genome position (GRCh38, 1-based): chr10:27,046,486, T>G on the plus strand (A>C on the coding strand, the complement: ANKRD26 is on the minus strand). VCF-style: chr10-27046486-T-G. GRCh37 (hg19) VCF-style: chr10-27335415-T-G.
Other names: c.1849A>C, p.Thr617Pro (NM_001256053.2); short protein forms T618P, T617P.
Identifiers: ClinVar variation 3869292 (VCV003869292.1).